The following is an entry in ClinVar:

NM_001458.5(FLNC):c.5268_5269delinsA (p.Arg1758fs)

Gene: FLNC (filamin C; plus strand). Cytogenetic location: 7q32.1.
Variant type: Indel.
Coding change: c.5268_5269delinsA on transcript NM_001458.5 (MANE Select); coding-DNA positions 5268 to 5269, TC replaced by A.
Protein change: p.Arg1758fs; shifts the reading frame from arginine 1758.
Molecular consequence: frameshift variant. On other transcripts: intron variant (1).
Genome position (GRCh38, 1-based): chr7:128,850,044-128,850,045, TC replaced by A. VCF-style: chr7-128850044-TC-A. GRCh37 (hg19) VCF-style: chr7-128490098-TC-A.
Other names: c.5200-340_5200-339delinsA (NM_001127487.2); short protein forms R1758fs.
Identifiers: ClinVar variation 5021960 (VCV005021960.1).
Genomic context (GRCh38, chr7:128,850,044, plus strand): 5'-CCCCCTGCCGCACGAGGAGGAGCCCTCTGAAGTGCCACAGCTGCGCCAGCCCTACGCTCC[TC>A]CCCGGCCCGGCGCCCGCCCCACACACTGGGTACTGCGCCTCCCACCAGGCGATGTCCTCC-3'

ClinVar aggregate classification (germline): Uncertain significance (1 of 4 stars; one submission).

Conditions:
Cardiovascular phenotype. Identifiers: MedGen CN230736.

Submission:

Ambry Genetics
Classification: Uncertain significance for Cardiovascular phenotype. Last evaluated: 2026-08-04. Review status: criteria provided, single submitter. Criteria: Ambry Variant Classification Scheme 2023. Collection method: clinical testing. Allele origin: germline.
Comment: The c.5268_5269delTCinsA variant, located in coding exon 31 of the FLNC gene, results from the deletion of two nucleotides and insertion of one nucleotide causing a translational frameshift with a predicted alternate stop codon (p.R1758Gfs*25). This alteration is expected to result in loss of function by premature protein truncation or nonsense-mediated mRNA decay. However, pathogenicity has not been established for alterations in exon 31 ofFLNC. The exon is alternatively spliced, and the predominant isoform expressed in healthy human cardiac tissue does not include exon 31 (Kong SW et al.Circ Cardiovas Genet. 2010 Apr;3(2):138-46). Since supporting evidence is limited at this time, the clinical significance of this alteration is unclear.